The following is an entry in ClinVar:

NM_017514.5(PLXNA3):c.1461G>A (p.Pro487=)

Gene: PLXNA3 (plexin A3; plus strand). Cytogenetic location: Xq28.
Variant type: single nucleotide variant.
Coding change: c.1461G>A on transcript NM_017514.5 (MANE Select); coding-DNA position 1461, G replaced by A.
Protein change: p.Pro487=; no amino-acid change (proline 487 retained).
Molecular consequence: synonymous variant.
Genome position (GRCh38, 1-based): chrX:154,463,604, G>A. VCF-style: chrX-154463604-G-A. GRCh37 (hg19) VCF-style: chrX-153691947-G-A.
Identifiers: ClinVar variation 3036844 (VCV003036844.2), dbSNP rs375993377, ClinGen allele CA10564050.

ClinVar aggregate classification (germline): Likely benign (0 of 4 stars; one submission).

Conditions:
PLXNA3-related disorder. Also called: PLXNA3-related condition.

Allele frequency attached by ClinVar (database versions not stated): ESP Exome Variant Server 0.00019; ExAC 0.00022; gnomAD 0.00027; TOPMed 0.00027.
gnomAD v4.1: 241 of 1,198,532 alleles (0.02%); highest among the groups gnomAD compares: Middle Eastern, 0.19%; no homozygotes.

Submission:

PreventionGenetics, part of Exact Sciences
Classification: Likely benign for PLXNA3-related condition. Last evaluated: 2021-05-21. Review status: no assertion criteria provided. Collection method: clinical testing. Allele origin: germline.
Comment: This variant is classified as likely benign based on ACMG/AMP sequence variant interpretation guidelines (Richards et al. 2015 PMID: 25741868, with internal and published modifications).